The following is an entry in ClinVar:

ClinVar aggregate classification (germline): Conflicting classifications of pathogenicity. Review status: criteria provided, conflicting classifications (1 of 4 stars). 2 submissions from 2 submitters: Uncertain significance (1); Likely benign (1). Last evaluated 2025-12-19.

Conditions:
Cardiovascular phenotype. Identifiers: MedGen CN230736.
Long QT syndrome (LQTS). Identifiers: MedGen C0023976, MeSH D008133, MONDO:0002442. Disease mechanism: loss of function. Inheritance: Various modes of inheritance.

Allele frequency attached by ClinVar (database versions not stated): TOPMed below 0.00001; ExAC 0.00001; gnomAD exomes 0.00001 and 0.00002.
gnomAD v4.1: 4 of 1,613,840 alleles (0.00025%); highest among the groups gnomAD compares: Admixed American, 0.0067%; no homozygotes.

Submissions (2):

Ambry Genetics
Classification: Likely benign for Cardiovascular phenotype. Last evaluated: 2025-12-19. Review status: criteria provided, single submitter. Criteria: Ambry Variant Classification Scheme 2023. Collection method: clinical testing. Allele origin: germline.

Labcorp Genetics (formerly Invitae), Labcorp
Classification: Uncertain significance for Long QT syndrome. Last evaluated: 2017-09-27. Review status: criteria provided, single submitter. Criteria: Invitae Variant Classification Sherloc (09022015). Collection method: clinical testing. Allele origin: germline.
Comment: This sequence change replaces leucine with valine at codon 512 of the AKAP9 protein (p.Leu512Val). The leucine residue is moderately conserved and there is a small physicochemical difference between leucine and valine. This variant is present in population databases (rs767454911, ExAC 0.009%). This variant has not been reported in the literature in individuals with AKAP9-related disease. Algorithms developed to predict the effect of missense changes on protein structure and function do not agree on the potential impact of this missense change (SIFT: "Tolerated"; PolyPhen-2: "Possibly Damaging"; Align-GVGD: "Class C0"). In summary, the available evidence is currently insufficient to determine the role of this variant in disease. Therefore, it has been classified as a Variant of Uncertain Significance.

NM_005751.5(AKAP9):c.1534C>G (p.Leu512Val)

Gene: AKAP9 (A-kinase anchoring protein 9; plus strand). Cytogenetic location: 7q21.2.
Variant type: single nucleotide variant.
Coding change: c.1534C>G on transcript NM_005751.5 (MANE Select); coding-DNA position 1534, C replaced by G.
Protein change: p.Leu512Val; replaces leucine 512 with valine.
Molecular consequence: missense variant.
Genome position (GRCh38, 1-based): chr7:92,001,451, C>G. VCF-style: chr7-92001451-C-G. GRCh37 (hg19) VCF-style: chr7-91630765-C-G.
Other names: c.1534C>G, p.Leu512Val (NM_147185.3); short protein forms L512V.
Identifiers: ClinVar variation 527002 (VCV000527002.13), dbSNP rs767454911, ClinGen allele CA4336024.
Genomic context (GRCh38, chr7:92,001,451, plus strand): 5'-AATGTGGCAATAAATGAACTGAATATAAAATTGCAAGATACTAACTCTCAAAAGGAAAAA[C>G]TCAAGGAAGAACTAGGACTAATTTTAGAAGAAAAGTGTGCTCTACAGAGACAGCTTGAAG-3'
Protein context (NP_005742.4, residues 502-522): LQDTNSQKEK[Leu512Val]KEELGLILEE